The following is an entry in ClinVar:

ClinVar aggregate classification (germline): Uncertain significance (1 of 4 stars; one submission).

Submission:

GeneDx
Classification: Uncertain significance. Last evaluated: 2023-01-24. Review status: criteria provided, single submitter. Criteria: GeneDx Variant Classification Process June 2021. Collection method: clinical testing. Allele origin: germline. Affected: yes.
Comment: Not observed at significant frequency in large population cohorts (gnomAD); In silico analysis supports that this variant does not alter splicing; Has not been previously published as pathogenic or benign to our knowledge

NM_003601.4(SMARCA5):c.1159-8_1159-3del

Gene: SMARCA5 (SNF2 related chromatin remodeling ATPase 5; plus strand). Cytogenetic location: 4q31.21.
Variant type: Deletion.
Coding change: c.1159-8_1159-3del on transcript NM_003601.4 (MANE Select); 8 bases into the intron before coding-DNA position 1159 through 3 bases into the intron before coding-DNA position 1159, 6 bases deleted (TTTTTA; older notation c.1159-8_1159-3delTTTTTA).
Molecular consequence: intron variant.
Genome position (GRCh38, 1-based): chr4:143,534,847-143,534,852, TTTTTA deleted. VCF-style (leftmost placement, unchanged base first): chr4-143534846-CTTTTTA-C. GRCh37 (hg19) VCF-style: chr4-144455999-CTTTTTA-C.
Identifiers: ClinVar variation 2573918 (VCV002573918.1), dbSNP rs2531494740, ClinGen allele CA2580616779.
Genomic context (GRCh38, chr4:143,534,846, plus strand): 5'-TTCTAAGATGCTGAAATATGACCTTATGTGTAATATTGGTATTACCTGTTTATTTTTGTC[CTTTTTA>C]AGGTTTTGCGTCCATTCCTCCTTCGTCGAATTAAGGCTGATGTTGAAAAGAGTTTGCCTC-3'